The following is an entry in ClinVar:

NM_173076.3(ABCA12):c.5158_5159dup (p.Asp1720fs)

Gene: ABCA12 (ATP binding cassette subfamily A member 12; minus strand). Cytogenetic location: 2q35.
Variant type: Duplication.
Coding change: c.5158_5159dup on transcript NM_173076.3 (MANE Select); coding-DNA positions 5158 to 5159, 2 bases duplicated (GA; older notation c.5158_5159dupGA).
Protein change: p.Asp1720fs; shifts the reading frame from aspartic acid 1720.
Molecular consequence: frameshift variant. On other transcripts: non-coding transcript variant (1).
Genome position (GRCh38, 1-based): chr2:214,976,007-214,976,008, TC duplicated on the plus strand (GA on the coding strand, the reverse complement: ABCA12 is on the minus strand). VCF-style (leftmost placement, unchanged base first): chr2-214976006-A-ATC. GRCh37 (hg19) VCF-style: chr2-215840730-A-ATC.
Other names: c.4204_4205dup, p.Asp1402fs (NM_015657.4); short protein forms D1720fs, D1402fs.
Identifiers: ClinVar variation 2875007 (VCV002875007.3), dbSNP rs1272966226, ClinGen allele CA539535895.
Genomic context (GRCh38, chr2:214,976,006, plus strand): 5'-GGTGTGGTGGAACCTCTTGATGAGTATAGCCATGATCTTCTTCAGCAACAGTCCAAAGCC[A>ATC]TCCAGCCTCTCTCCTCTTGTCAGGATTTTGTCTGATTAAGAAAAAGAGATTGGATATGGT-3'

ClinVar aggregate classification (germline): Pathogenic (1 of 4 stars; one submission).

Allele frequency attached by ClinVar (database versions not stated): gnomAD exomes below 0.00001; gnomAD 0.00001.

Submission:

Labcorp Genetics (formerly Invitae), Labcorp
Classification: Pathogenic. Last evaluated: 2023-02-08. Review status: criteria provided, single submitter. Criteria: Invitae Variant Classification Sherloc (09022015). Collection method: clinical testing. Allele origin: germline.
Comment: This sequence change creates a premature translational stop signal (p.Asp1720Glufs*8) in the ABCA12 gene. It is expected to result in an absent or disrupted protein product. Loss-of-function variants in ABCA12 are known to be pathogenic (PMID: 20672373). This variant is present in population databases (no rsID available, gnomAD 0.007%). This variant has not been reported in the literature in individuals affected with ABCA12-related conditions. For these reasons, this variant has been classified as Pathogenic.

Literature cited by the submitters: PubMed 20672373.